The following is an entry in ClinVar:

ClinVar aggregate classification (germline): Uncertain significance (1 of 4 stars; one submission).

gnomAD v4.1: 4 of 1,517,204 alleles (0.00026%); highest among the groups gnomAD compares: Admixed American, 0.002%; no homozygotes.

Submission:

Labcorp Genetics (formerly Invitae), Labcorp
Classification: Uncertain significance. Last evaluated: 2021-10-15. Review status: criteria provided, single submitter. Criteria: Invitae Variant Classification Sherloc (09022015). Collection method: clinical testing. Allele origin: germline.
Comment: This sequence change replaces glycine with serine at codon 397 of the DLL3 protein (p.Gly397Ser). The glycine residue is highly conserved and there is a small physicochemical difference between glycine and serine. The frequency data for this variant in the population databases is considered unreliable, as metrics indicate insufficient coverage at this position in the ExAC database. This variant has not been reported in the literature in individuals affected with DLL3-related conditions. Algorithms developed to predict the effect of missense changes on protein structure and function are either unavailable or do not agree on the potential impact of this missense change (SIFT: "Deleterious"; PolyPhen-2: "Benign"; Align-GVGD: "Class C0"). In summary, the available evidence is currently insufficient to determine the role of this variant in disease. Therefore, it has been classified as a Variant of Uncertain Significance.

NM_203486.3(DLL3):c.1189G>A (p.Gly397Ser)

Gene: DLL3 (delta like canonical Notch ligand 3; plus strand). Cytogenetic location: 19q13.2.
Variant type: single nucleotide variant.
Coding change: c.1189G>A on transcript NM_203486.3 (MANE Select); coding-DNA position 1189, G replaced by A.
Protein change: p.Gly397Ser; replaces glycine 397 with serine.
Molecular consequence: missense variant.
Genome position (GRCh38, 1-based): chr19:39,507,134, G>A. VCF-style: chr19-39507134-G-A. GRCh37 (hg19) VCF-style: chr19-39997774-G-A.
Other names: c.1189G>A, p.Gly397Ser (NM_016941.4); short protein forms G397S.
Identifiers: ClinVar variation 1511680 (VCV001511680.3), dbSNP rs985766992, ClinGen allele CA405800390.